The following is an entry in ClinVar:

NM_006260.5(DNAJC3):c.1367_1370del (p.Lys456fs)

Gene: DNAJC3 (DnaJ heat shock protein family (Hsp40) member C3; plus strand). Cytogenetic location: 13q32.1.
Variant type: Microsatellite.
Coding change: c.1367_1370del on transcript NM_006260.5 (MANE Select); coding-DNA positions 1367 to 1370, 4 bases deleted (AGAA; older notation c.1367_1370delAGAA).
Protein change: p.Lys456fs; shifts the reading frame from lysine 456.
Molecular consequence: frameshift variant.
Genome position (GRCh38, 1-based): chr13:95,790,882-95,790,885, AGAA deleted; deleting any 4 consecutive bases within chr13:95,790,878-95,790,885 gives the same sequence; the c. name uses the placement nearest the transcript's 3' end. VCF-style (leftmost placement, unchanged base first): chr13-95790877-GAGAA-G. GRCh37 (hg19) VCF-style: chr13-96443131-GAGAA-G.
Other names: c.1367_1370del (NM_006260.4); short protein forms K456fs.
Identifiers: ClinVar variation 1693486 (VCV001693486.2), dbSNP rs2139702590, ClinGen allele CA2580614749.
Genomic context (GRCh38, chr13:95,790,877, plus strand): 5'-CCCTGCCCCTATACCTTAGATATTATCTGGTTCTTAATTTTCTGATTTCTTTCTAGAAAT[GAGAA>G]AGAAGTTTGACGACGGAGAAGATCCTTTGGATGCAGAGAGCCAGCAAGGAGGCGGCGGCA-3'

ClinVar aggregate classification (germline): Likely pathogenic. Review status: criteria provided, single submitter (1 of 4 stars). 2 submissions from 2 submitters: Likely pathogenic (1). 1 of the submissions does not count toward it. Last evaluated 2023-09-12.

Conditions:
Juvenile-onset diabetes mellitus-central and peripheral neurodegeneration syndrome. Also called: Ataxia, combined cerebellar and peripheral, with hearing loss and diabetes mellitus. Identifiers: Orphanet 445062, MedGen C4015436, MONDO:0014523, OMIM 616192.

Submissions (2):

GeneDx
Classification: Likely pathogenic. Last evaluated: 2023-09-12. Review status: criteria provided, single submitter. Criteria: GeneDx Variant Classification Process June 2021. Collection method: clinical testing. Allele origin: germline. Affected: yes.
Comment: Frameshift variant predicted to result in protein elongation as the last 49 amino acids are replaced with 84 different amino acids, although loss-of-function variants have not been reported downstream of this position in the protein; Not observed at significant frequency in large population cohorts (gnomAD); This variant is associated with the following publications: (PMID: 34654017)

OMIM
Classification: Pathogenic for ATAXIA, COMBINED CEREBELLAR AND PERIPHERAL, WITH HEARING LOSS AND DIABETES MELLITUS. Last evaluated: 2022-06-23. Review status: no assertion criteria provided. Collection method: literature only. Allele origin: germline. Not counted in ClinVar's aggregate classification.

Literature cited by the submitters: PubMed 34654017 (cited by OMIM).